The following is an entry in ClinVar:

ClinVar aggregate classification (germline): Uncertain significance (1 of 4 stars; one submission).

Conditions:
Familial sleep-related hypermotor epilepsy. Also called: Autosomal Dominant Sleep-Related Hypermotor (Hyperkinetic) Epilepsy. Identifiers: Orphanet 98784, MedGen C3696898, MONDO:0000030.

Submission:

Labcorp Genetics (formerly Invitae), Labcorp
Classification: Uncertain significance. Last evaluated: 2021-07-12. Review status: criteria provided, single submitter. Criteria: Invitae Variant Classification Sherloc (09022015). Collection method: clinical testing. Allele origin: germline.
Comment: Advanced modeling of protein sequence and biophysical properties (such as structural, functional, and spatial information, amino acid conservation, physicochemical variation, residue mobility, and thermodynamic stability) performed at Invitae indicates that this missense variant is expected to disrupt CHRNB2 protein function. In summary, the available evidence is currently insufficient to determine the role of this variant in disease. Therefore, it has been classified as a Variant of Uncertain Significance. This variant has not been reported in the literature in individuals affected with CHRNB2-related conditions. This sequence change replaces valine with alanine at codon 278 of the CHRNB2 protein (p.Val278Ala). The valine residue is highly conserved and there is a small physicochemical difference between valine and alanine. This variant is not present in population databases (ExAC no frequency).

NM_000748.3(CHRNB2):c.833T>C (p.Val278Ala)

Gene: CHRNB2 (cholinergic receptor nicotinic beta 2 subunit; plus strand). Cytogenetic location: 1q21.3.
Variant type: single nucleotide variant.
Coding change: c.833T>C on transcript NM_000748.3 (MANE Select); coding-DNA position 833, T replaced by C.
Protein change: p.Val278Ala; replaces valine 278 with alanine.
Molecular consequence: missense variant.
Genome position (GRCh38, 1-based): chr1:154,571,656, T>C. VCF-style: chr1-154571656-T-C. GRCh37 (hg19) VCF-style: chr1-154544132-T-C.
Other names: short protein forms V278A.
Identifiers: ClinVar variation 1366810 (VCV001366810.8), dbSNP rs2101521195, ClinGen allele CA342630932.